The following is an entry in ClinVar:

ClinVar aggregate classification (germline): Pathogenic/Likely pathogenic. Review status: criteria provided, multiple submitters, no conflicts (2 of 4 stars). 4 submissions from 4 submitters: Pathogenic (1); Likely pathogenic (3). Last evaluated 2024-10-01.

Conditions:
Dyskeratosis congenita, autosomal recessive 5 (DKCB5). Identifiers: MedGen C3554656, MONDO:0014076, OMIM 615190.
Pulmonary fibrosis and/or bone marrow failure, Telomere-related, 3. Also called: PULMONARY FIBROSIS AND/OR BONE MARROW FAILURE SYNDROME, TELOMERE-RELATED, 3. Identifiers: Orphanet 2032, MedGen C4225346, MONDO:0014613, OMIM 616373.

Submissions (4):

GeneDx
Classification: Likely pathogenic. Last evaluated: 2024-10-01. Review status: criteria provided, single submitter. Criteria: GeneDx Variant Classification Process June 2021. Collection method: clinical testing. Allele origin: germline.
Comment: Nonsense variant predicted to result in protein truncation or nonsense mediated decay in a gene for which loss of function is a known mechanism of disease; Not observed at significant frequency in large population cohorts (gnomAD); Has not been previously published as pathogenic or benign to our knowledge

Baylor Genetics
Classification: Likely pathogenic for Dyskeratosis congenita, autosomal recessive 5. Last evaluated: 2023-03-12. Review status: criteria provided, single submitter. Criteria: ACMG Guidelines, 2015. Collection method: clinical testing. Allele origin: unknown.

Labcorp Genetics (formerly Invitae), Labcorp
Classification: Pathogenic for Dyskeratosis congenita, autosomal recessive 5; Pulmonary fibrosis and/or bone marrow failure, Telomere-related, 3. Last evaluated: 2022-10-19. Review status: criteria provided, single submitter. Criteria: Invitae Variant Classification Sherloc (09022015). Collection method: clinical testing. Allele origin: germline.
Comment: This sequence change creates a premature translational stop signal (p.Glu941*) in the RTEL1 gene. It is expected to result in an absent or disrupted protein product. Loss-of-function variants in RTEL1 are known to be pathogenic (PMID: 23453664, 23959892, 25607374). This variant is not present in population databases (gnomAD no frequency). This variant has not been reported in the literature in individuals affected with RTEL1-related conditions. ClinVar contains an entry for this variant (Variation ID: 1325019). Algorithms developed to predict the effect of sequence changes on RNA splicing suggest that this variant may disrupt the consensus splice site. For these reasons, this variant has been classified as Pathogenic.

Revvity Omics, Revvity
Classification: Likely pathogenic. Last evaluated: 2019-07-16. Review status: criteria provided, single submitter. Criteria: ACMG Guidelines, 2015. Collection method: clinical testing. Allele origin: germline.

Literature cited by the submitters: PubMed 23453664 (cited by Labcorp Genetics (formerly Invitae), Labcorp); PubMed 23959892 (cited by Labcorp Genetics (formerly Invitae), Labcorp); PubMed 25607374 (cited by Labcorp Genetics (formerly Invitae), Labcorp).

NM_001283009.2(RTEL1):c.2821G>T (p.Glu941Ter)

Genes: RTEL1 (regulator of telomere elongation helicase 1; plus strand), RTEL1-TNFRSF6B (RTEL1-TNFRSF6B readthrough (NMD candidate); plus strand). Cytogenetic location: 20q13.33.
Variant type: single nucleotide variant.
Coding change: c.2821G>T on transcript NM_001283009.2 (MANE Select); coding-DNA position 2821, G replaced by T.
Protein change: p.Glu941Ter; replaces glutamic acid 941 with a stop codon.
Molecular consequence: nonsense. On other transcripts: non-coding transcript variant (1).
Genome position (GRCh38, 1-based): chr20:63,692,973, G>T. VCF-style: chr20-63692973-G-T. GRCh37 (hg19) VCF-style: chr20-62324326-G-T.
Other names: c.2152G>T, p.Glu718Ter (NM_001283010.1); c.2821G>T, p.Glu941Ter (NM_016434.4); c.2893G>T, p.Glu965Ter (NM_032957.5); short protein forms E718*, E941*, E965*.
Identifiers: ClinVar variation 1325019 (VCV001325019.11), dbSNP rs906116592, ClinGen allele CA409683096.
Genomic context (GRCh38, chr20:63,692,973, plus strand): 5'-GACTACAAGGGTTCCGATGACTTCGCCGCCCTGGCCGCCTGTCTCGGCCCCCTCTTTGCT[G>T]AGGACCCCAAGAAGCACAACCTGCTCCAAGGTGCCCTGGCTTGCAGAGGCCACCCACCCT-3'